The following is an entry in ClinVar:

ClinVar aggregate classification (germline): Likely benign. Review status: criteria provided, single submitter (1 of 4 stars). 2 submissions from 2 submitters: Likely benign (1). 1 of the submissions does not count toward it. Last evaluated 2024-10-22.

Conditions:
Retinitis pigmentosa 71 (RP71). Identifiers: Orphanet 791, MedGen C4225342, MONDO:0014618, OMIM 616394.
Short-rib thoracic dysplasia 10 with or without polydactyly (SRTD10). Identifiers: Orphanet 474, MedGen C3810175, MONDO:0014284, OMIM 615630.
IFT172-related disorder. Also called: IFT172-related disorders; IFT172-related condition.

Allele frequency attached by ClinVar (database versions not stated): gnomAD exomes below 0.00001; ExAC 0.00001.
gnomAD v4.1: 3 of 1,612,688 alleles (0.00019%); highest among the groups gnomAD compares: Admixed American, 0.005%; no homozygotes.

Submissions (2):

Labcorp Genetics (formerly Invitae), Labcorp
Classification: Likely benign for Retinitis pigmentosa 71; Short-rib thoracic dysplasia 10 with or without polydactyly. Last evaluated: 2024-10-22. Review status: criteria provided, single submitter. Criteria: Invitae Variant Classification Sherloc (09022015). Collection method: clinical testing. Allele origin: germline.

PreventionGenetics, part of Exact Sciences
Classification: Likely benign for IFT172-related condition. Last evaluated: 2020-11-24. Review status: no assertion criteria provided. Collection method: clinical testing. Allele origin: germline. Not counted in ClinVar's aggregate classification.
Comment: This variant is classified as likely benign based on ACMG/AMP sequence variant interpretation guidelines (Richards et al. 2015 PMID: 25741868, with internal and published modifications).

NM_015662.3(IFT172):c.933A>G (p.Glu311=)

Gene: IFT172 (intraflagellar transport 172; minus strand). Cytogenetic location: 2p23.3.
Variant type: single nucleotide variant.
Coding change: c.933A>G on transcript NM_015662.3 (MANE Select); coding-DNA position 933, A replaced by G.
Protein change: p.Glu311=; no amino-acid change (glutamic acid 311 retained).
Molecular consequence: synonymous variant.
Genome position (GRCh38, 1-based): chr2:27,479,581, T>C on the plus strand (A>G on the coding strand, the complement: IFT172 is on the minus strand). VCF-style: chr2-27479581-T-C. GRCh37 (hg19) VCF-style: chr2-27702448-T-C.
Other names: c.933A>G (NM_015662.2); c.933A>G, p.Glu311= (NM_001410739.1).
Identifiers: ClinVar variation 2927354 (VCV002927354.4), dbSNP rs780938391, ClinGen allele CA1580819.
Genomic context (GRCh38, chr2:27,479,581, plus strand): 5'-CACATACGTCAACTCAAACTTGTTCTTGTAAATACTCCTTCGGAGGCAGCAGTCAAACTG[T>C]TCCACCCCACCACATAGTGTGCCCTAGAAGGGAAAGTGACAGCATAAAAGGTCACACACA-3'
Protein context (NP_056477.1, residues 301-321): LCVGTLCGGV[Glu311=]QFDCCLRRSI